The following is an entry in ClinVar:

NM_001354930.2(RIPK1):c.552GAA[1] (p.Lys185del)

Gene: RIPK1 (receptor interacting serine/threonine kinase 1; plus strand). Cytogenetic location: 6p25.2.
Variant type: Microsatellite.
Coding change: c.552GAA[1] on transcript NM_001354930.2 (MANE Select); one copy of the 3-base unit GAA starting at c.552; the reference has two copies in a row; one copy, 3 bases deleted.
Protein change: p.Lys185del; deletes lysine 185.
Molecular consequence: inframe deletion.
Genome position (GRCh38, 1-based): chr6:3,083,180-3,083,182, GAA deleted; deleting any 3 consecutive bases within chr6:3,083,175-3,083,182 gives the same sequence; the position shown is the placement nearest the transcript's 3' end. VCF-style (leftmost placement, unchanged base first): chr6-3083174-TAAG-T. GRCh37 (hg19) VCF-style: chr6-3083408-TAAG-T.
Other names: c.63GAA[1], p.Lys22del (NM_001317061.3, NM_001354932.2, NM_001354933.2 and 1 more transcripts); c.414GAA[1], p.Lys139del (NM_001354931.2); c.552GAA[1], p.Lys185del (NM_003804.6); short protein forms K185del, K139del, K22del.
Identifiers: ClinVar variation 1387906 (VCV001387906.9), dbSNP rs752912142, ClinGen allele CA565042898.
Genomic context (GRCh38, chr6:3,083,174, plus strand): 5'-GATGTGGAGCAAACTGAATAATGAAGAGCACAATGAGCTGAGGGAAGTGGACGGCACCGC[TAAG>T]AAGAATGGCGGCACCCTCTACTACATGGCGCCCGAGCACCTGAATGACGTCAACGCAAAG-3'

ClinVar aggregate classification (germline): Uncertain significance. Review status: criteria provided, multiple submitters, no conflicts (2 of 4 stars). 2 submissions from 2 submitters: Uncertain significance (2). Last evaluated 2024-02-05.

Submissions (2):

Labcorp Genetics (formerly Invitae), Labcorp
Classification: Uncertain significance. Last evaluated: 2024-02-05. Review status: criteria provided, single submitter. Criteria: Invitae Variant Classification Sherloc (09022015). Collection method: clinical testing. Allele origin: germline.
Comment: This variant, c.555_557del, results in the deletion of 1 amino acid(s) of the RIPK1 protein (p.Lys185del), but otherwise preserves the integrity of the reading frame. The frequency data for this variant in the population databases is considered unreliable, as metrics indicate poor data quality at this position in the gnomAD database. This variant has not been reported in the literature in individuals affected with RIPK1-related conditions. Experimental studies and prediction algorithms are not available or were not evaluated, and the functional significance of this variant is currently unknown. In summary, the available evidence is currently insufficient to determine the role of this variant in disease. Therefore, it has been classified as a Variant of Uncertain Significance.

Blueprint Genetics
Classification: Uncertain significance. Last evaluated: 2021-12-21. Review status: criteria provided, single submitter. Criteria: ACMG Guidelines, 2015. Collection method: clinical testing. Allele origin: germline.